The following is an entry in ClinVar:

ClinVar aggregate classification (germline): Uncertain significance (1 of 4 stars; one submission).

Conditions:
Primary ciliary dyskinesia. Also called: Ciliary dyskinesia. Identifiers: Orphanet 244, MedGen C0008780, MONDO:0016575, HP:0012265.

Allele frequency attached by ClinVar (database versions not stated): gnomAD exomes below 0.00001; ExAC 0.00002.
gnomAD v4.1: 1 of 1,613,940 alleles (0.000062%); highest among the groups gnomAD compares: Admixed American, 0.0017%; no homozygotes.

Submission:

Labcorp Genetics (formerly Invitae), Labcorp
Classification: Uncertain significance for Primary ciliary dyskinesia. Last evaluated: 2023-11-19. Review status: criteria provided, single submitter. Criteria: Invitae Variant Classification Sherloc (09022015). Collection method: clinical testing. Allele origin: germline.
Comment: This sequence change replaces threonine, which is neutral and polar, with isoleucine, which is neutral and non-polar, at codon 3873 of the DNAH8 protein (p.Thr3873Ile). This variant is present in population databases (rs768419092, gnomAD 0.003%). This variant has not been reported in the literature in individuals affected with DNAH8-related conditions. ClinVar contains an entry for this variant (Variation ID: 1987945). Advanced modeling of protein sequence and biophysical properties (such as structural, functional, and spatial information, amino acid conservation, physicochemical variation, residue mobility, and thermodynamic stability) has been performed at Invitae for this missense variant, however the output from this modeling did not meet the statistical confidence thresholds required to predict the impact of this variant on DNAH8 protein function. In summary, the available evidence is currently insufficient to determine the role of this variant in disease. Therefore, it has been classified as a Variant of Uncertain Significance.

NM_001206927.2(DNAH8):c.11618C>T (p.Thr3873Ile)

Genes: DNAH8 (dynein axonemal heavy chain 8; plus strand), DNAH8-AS1 (DNAH8 antisense RNA 1; minus strand). Cytogenetic location: 6p21.2.
Variant type: single nucleotide variant.
Coding change: c.11618C>T on transcript NM_001206927.2 (MANE Select); coding-DNA position 11618, C replaced by T.
Protein change: p.Thr3873Ile; replaces threonine 3873 with isoleucine.
Molecular consequence: missense variant.
Genome position (GRCh38, 1-based): chr6:38,938,028, C>T. VCF-style: chr6-38938028-C-T. GRCh37 (hg19) VCF-style: chr6-38905804-C-T.
Other names: c.10967C>T, p.Thr3656Ile (NM_001371.4); short protein forms T3656I, T3873I.
Identifiers: ClinVar variation 1987945 (VCV001987945.4), dbSNP rs768419092, ClinGen allele CA3791137.
Genomic context (GRCh38, chr6:38,938,028, plus strand): 5'-TTTCAGGCTCATTGGTAGATGACGAATCTCTCATTGGTGTACTTCGAACTACCAAGCAGA[C>T]AGCAGCTGAGGTAAGTGAAAAGTTGCATGTGGCTGCAGAAACTGAGATCAAGATCAACGC-3'
Protein context (NP_001193856.1, residues 3863-3883): LIGVLRTTKQ[Thr3873Ile]AAEVSEKLHV